The following is an entry in ClinVar:

ClinVar aggregate classification (germline): Benign/Likely benign. Review status: criteria provided, multiple submitters, no conflicts (2 of 4 stars). 4 submissions from 4 submitters: Benign (3); Likely benign (1). Last evaluated 2021-08-06.

Conditions:
Erythrocyte AMP deaminase deficiency. Identifiers: Orphanet 45, MedGen C2752073, OMIM 612874, MONDO:0020734.

Allele frequency attached by ClinVar (database versions not stated): gnomAD exomes 0.00206 and 0.00575; ExAC 0.00709; gnomAD 0.02094 and 0.02243; 1000 Genomes Project 0.02376; TOPMed 0.02387; 1000 Genomes Project 30x 0.02483; ESP Exome Variant Server 0.02502.
gnomAD v4.1: 6,428 of 1,614,124 alleles (0.4%); highest among the groups gnomAD compares: African/African-American, 7.2%; 217 homozygotes.

Submissions (4):

Fulgent Genetics
Classification: Likely benign for Erythrocyte AMP deaminase deficiency. Last evaluated: 2021-08-06. Review status: criteria provided, single submitter. Criteria: ACMG Guidelines, 2015. Collection method: clinical testing. Allele origin: unknown.

Labcorp Genetics (formerly Invitae), Labcorp
Classification: Benign. Last evaluated: 2018-06-25. Review status: criteria provided, single submitter. Criteria: Invitae Variant Classification Sherloc (09022015). Collection method: clinical testing. Allele origin: germline.

Illumina Laboratory Services, Illumina
Classification: Benign for Erythrocyte AMP deaminase deficiency. Last evaluated: 2017-10-15. Review status: criteria provided, single submitter. Criteria: ICSL Variant Classification Criteria 13 December 2019. Collection method: clinical testing. Allele origin: germline.
Comment: This variant was observed as part of a predisposition screen in an ostensibly healthy population. A literature search was performed for the gene, cDNA change, and amino acid change (where applicable). No publications were found based on this search. Allele frequency data from public databases was too high to be consistent with this variant causing disease. Therefore, this variant is classified as benign.

Breakthrough Genomics
Classification: Benign. Review status: criteria provided, single submitter. Criteria: ACMG Guidelines, 2015. Collection method: not provided. Allele origin: germline. Inheritance: Autosomal recessive inheritance. Affected: yes.

NM_001025389.2(AMPD3):c.1363T>C (p.Tyr455His)

Gene: AMPD3 (adenosine monophosphate deaminase 3; plus strand). Cytogenetic location: 11p15.4.
Variant type: single nucleotide variant.
Coding change: c.1363T>C on transcript NM_001025389.2 (MANE Select); coding-DNA position 1363, T replaced by C.
Protein change: p.Tyr455His; replaces tyrosine 455 with histidine.
Molecular consequence: missense variant.
Genome position (GRCh38, 1-based): chr11:10,495,666, T>C. VCF-style: chr11-10495666-T-C. GRCh37 (hg19) VCF-style: chr11-10517213-T-C.
Other names: c.1390T>C, p.Tyr464His (NM_000480.3); c.1384T>C, p.Tyr462His (NM_001025390.2); c.1363T>C, p.Tyr455His (NM_001172430.1); c.886T>C, p.Tyr296His (NM_001172431.2); short protein forms Y455H, Y462H, Y464H, Y296H.
Identifiers: ClinVar variation 768426 (VCV000768426.9), dbSNP rs36003153, ClinGen allele CA5882993.
Genomic context (GRCh38, chr11:10,495,666, plus strand): 5'-TACTCAGAGCCACGGCTCTCCATCTACGGCCGCAGTCCTGAGGAGTGGCCCAACCTGGCC[T>C]ACTGGTTCATCCAGCACAAGGTCTACTCTCCCAACATGCGCTGGATCATCCAGGTGCCCC-3'
Protein context (NP_001020560.1, residues 445-465): RSPEEWPNLA[Tyr455His]WFIQHKVYSP